The following is an entry in ClinVar:

NM_000088.4(COL1A1):c.3416G>A (p.Gly1139Asp)

Gene: COL1A1 (collagen type I alpha 1 chain; minus strand). Cytogenetic location: 17q21.33.
Variant type: single nucleotide variant.
Coding change: c.3416G>A on transcript NM_000088.4 (MANE Select); coding-DNA position 3416, G replaced by A.
Protein change: p.Gly1139Asp; replaces glycine 1139 with aspartic acid.
Molecular consequence: missense variant.
Genome position (GRCh38, 1-based): chr17:50,187,491, C>T on the plus strand (G>A on the coding strand, the complement: COL1A1 is on the minus strand). VCF-style: chr17-50187491-C-T. GRCh37 (hg19) VCF-style: chr17-48264852-C-T.
Other names: short protein forms G1139D.
Identifiers: ClinVar variation 423568 (VCV000423568.2), dbSNP rs1064796499, ClinGen allele CA16620471.

ClinVar aggregate classification (germline): Pathogenic (1 of 4 stars; one submission).

Submission:

GeneDx
Classification: Pathogenic. Last evaluated: 2017-02-22. Review status: criteria provided, single submitter. Criteria: GeneDx Variant Classification (06012015). Collection method: clinical testing. Allele origin: germline. Affected: yes.
Comment: The G1139D pathogenic variant has not been published as a pathogenic variant, nor has it been reported as a benign variant to our knowledge. G1139D occurs in the triple helical domain and replaces the Glycine in the canonical Gly-X-Y repeat. Variants in these Glycines result in poor winding of the collagen triple helix and a less functional protein.The G1139D variant is not observed in large population cohorts (Lek et al., 2016; 1000 Genomes Consortium et al., 2015; Exome Variant Server). The G1139D variant is a non-conservative amino acid substitution, which is likely to impact secondary protein structure as these residues differ in polarity, charge, size and/or other properties. This substitution occurs at a position conserved across species. In silico analysis predicts this variant is damaging to the protein structure/function. Missense variants in nearby Glycine residues (G1133A, G1142S, G1145C/D) have been reported in the Human Gene Mutation Database in association with osteogenesis imperfecta (Stenson et al., 2014), supporting the functional importance of this region of the protein. Therefore, the presence of this pathogenic variant is consistent with the diagnosis of a COL1A1-related skeletal dysplasia.